The following is an entry in ClinVar:

ClinVar aggregate classification (germline): Likely benign (1 of 4 stars; one submission).

Allele frequency attached by ClinVar (database versions not stated): 1000 Genomes Project 0.00938; gnomAD 0.00985 and 0.01055; 1000 Genomes Project 30x 0.01046; TOPMed 0.01122.

Submission:

GeneDx
Classification: Likely benign. Last evaluated: 2018-06-14. Review status: criteria provided, single submitter. Criteria: GeneDx Variant Classification (06012015). Collection method: clinical testing. Allele origin: germline. Affected: yes.
Comment: This variant is considered likely benign or benign based on one or more of the following criteria: it is a conservative change, it occurs at a poorly conserved position in the protein, it is predicted to be benign by multiple in silico algorithms, and/or has population frequency not consistent with disease.

NM_001040436.3(YARS2):c.948-261A>G

Gene: YARS2 (tyrosyl-tRNA synthetase 2; minus strand). Cytogenetic location: 12p11.21.
Variant type: single nucleotide variant.
Coding change: c.948-261A>G on transcript NM_001040436.3 (MANE Select); 261 bases into the intron before coding-DNA position 948, A replaced by G.
Molecular consequence: intron variant.
Genome position (GRCh38, 1-based): chr12:32,751,135, T>C on the plus strand (A>G on the coding strand, the complement: YARS2 is on the minus strand). VCF-style: chr12-32751135-T-C. GRCh37 (hg19) VCF-style: chr12-32904069-T-C.
Identifiers: ClinVar variation 680982 (VCV000680982.1), dbSNP rs59300245, ClinGen allele CA235216495.